The following is an entry in ClinVar:

ClinVar aggregate classification (germline): Uncertain significance (1 of 4 stars; one submission).

Conditions:
Gastrointestinal stromal tumor. Also called: Gastrointestinal stroma tumor; Gastrointestinal stromal tumor, somatic. Identifiers: Orphanet 44890, MedGen C0238198, MeSH D046152, MONDO:0011719, OMIM 606764, HP:0100723.

Submission:

Labcorp Genetics (formerly Invitae), Labcorp
Classification: Uncertain significance for Gastrointestinal stromal tumor. Last evaluated: 2022-06-26. Review status: criteria provided, single submitter. Criteria: Invitae Variant Classification Sherloc (09022015). Collection method: clinical testing. Allele origin: germline.
Comment: This sequence change replaces alanine, which is neutral and non-polar, with glycine, which is neutral and non-polar, at codon 784 of the KIT protein (p.Ala784Gly). This variant is not present in population databases (gnomAD no frequency). This variant has not been reported in the literature in individuals affected with KIT-related conditions. In summary, the available evidence is currently insufficient to determine the role of this variant in disease. Therefore, it has been classified as a Variant of Uncertain Significance. Algorithms developed to predict the effect of missense changes on protein structure and function (SIFT, PolyPhen-2, Align-GVGD) all suggest that this variant is likely to be disruptive.

NM_000222.3(KIT):c.2351C>G (p.Ala784Gly)

Gene: KIT (KIT proto-oncogene, receptor tyrosine kinase; plus strand). Cytogenetic location: 4q12.
Variant type: single nucleotide variant.
Coding change: c.2351C>G on transcript NM_000222.3 (MANE Select); coding-DNA position 2351, C replaced by G.
Protein change: p.Ala784Gly; replaces alanine 784 with glycine.
Molecular consequence: missense variant.
Genome position (GRCh38, 1-based): chr4:54,731,988, C>G. VCF-style: chr4-54731988-C-G. GRCh37 (hg19) VCF-style: chr4-55598154-C-G.
Other names: c.2339C>G, p.Ala780Gly (NM_001093772.2, NM_001385292.1); c.2354C>G, p.Ala785Gly (NM_001385284.1); c.2348C>G, p.Ala783Gly (NM_001385285.1); c.2336C>G, p.Ala779Gly (NM_001385286.1); c.2342C>G, p.Ala781Gly (NM_001385288.1); c.2351C>G, p.Ala784Gly (NM_001385290.1); short protein forms A784G, A779G, A781G, A780G, A783G, A785G.
Identifiers: ClinVar variation 2010915 (VCV002010915.4), dbSNP rs2109796079, ClinGen allele CA356911154.